The following is an entry in ClinVar:

ClinVar aggregate classification (germline): Uncertain significance (1 of 4 stars; one submission).

Conditions:
Glycogen storage disease due to muscle beta-enolase deficiency (GSD13). Also called: Glycogen Storage Disease Type XIII; ENOLASE 3 DEFICIENCY; ENOLASE-BETA DEFICIENCY; GSD XIII. Identifiers: Orphanet 99849, MedGen C2752027, MONDO:0013046, OMIM 612932.

Allele frequency attached by ClinVar (database versions not stated): gnomAD exomes below 0.00001.
gnomAD v4.1: 1 of 1,614,018 alleles (0.000062%); highest among the groups gnomAD compares: Non-Finnish European, 0.000085%; no homozygotes.

Submission:

Labcorp Genetics (formerly Invitae), Labcorp
Classification: Uncertain significance for Glycogen storage disease due to muscle beta-enolase deficiency. Last evaluated: 2024-02-17. Review status: criteria provided, single submitter. Criteria: Invitae Variant Classification Sherloc (09022015). Collection method: clinical testing. Allele origin: germline.
Comment: This sequence change disrupts the translational stop signal of the ENO3 mRNA. It is expected to extend the length of the ENO3 protein by 20 additional amino acid residues. This variant is not present in population databases (gnomAD no frequency). This variant has not been reported in the literature in individuals affected with ENO3-related conditions. ClinVar contains an entry for this variant (Variation ID: 2183795). Experimental studies and prediction algorithms are not available or were not evaluated, and the functional significance of this variant is currently unknown. In summary, the available evidence is currently insufficient to determine the role of this variant in disease. Therefore, it has been classified as a Variant of Uncertain Significance.

NM_053013.4(ENO3):c.1303T>C (p.Ter435Arg)

Gene: ENO3 (enolase 3; plus strand). Cytogenetic location: 17p13.2.
Variant type: single nucleotide variant.
Coding change: c.1303T>C on transcript NM_053013.4 (MANE Select); coding-DNA position 1303, T replaced by C.
Protein change: p.Ter435Arg.
Molecular consequence: stop lost.
Genome position (GRCh38, 1-based): chr17:4,957,045, T>C. VCF-style: chr17-4957045-T-C. GRCh37 (hg19) VCF-style: chr17-4860340-T-C.
Other names: c.1174T>C, p.Ter392Arg (NM_001193503.2); c.1303T>C, p.Ter435Arg (NM_001374523.1, NM_001976.5); c.1330T>C, p.Ter444Arg (NM_001374524.1).
Identifiers: ClinVar variation 2183795 (VCV002183795.4), dbSNP rs1971761883, ClinGen allele CA397296219.